The following is an entry in ClinVar:

ClinVar aggregate classification (germline): Benign/Likely benign. Review status: criteria provided, multiple submitters, no conflicts (2 of 4 stars). 2 submissions from 2 submitters: Benign (1); Likely benign (1). Last evaluated 2026-03-01.

Allele frequency attached by ClinVar (database versions not stated): ExAC 0.00063; gnomAD 0.00200; ESP Exome Variant Server 0.00223; TOPMed 0.00228; 1000 Genomes Project 0.00260; 1000 Genomes Project 30x 0.00328.
gnomAD v4.1: 624 of 1,613,660 alleles (0.039%); highest among the groups gnomAD compares: African/African-American, 0.76%; no homozygotes.

Submissions (2):

CeGaT Center for Human Genetics Tuebingen
Classification: Likely benign. Last evaluated: 2026-03-01. Review status: criteria provided, single submitter. Criteria: CeGaT Center For Human Genetics Tuebingen Variant Classification Criteria Version 2. Collection method: clinical testing. Allele origin: germline. Affected: yes. Observed: 2 variant alleles.
Comment: STAG1: BP4, BS1

Labcorp Genetics (formerly Invitae), Labcorp
Classification: Benign. Last evaluated: 2026-01-12. Review status: criteria provided, single submitter. Criteria: Invitae Variant Classification Sherloc (09022015). Collection method: clinical testing. Allele origin: germline.

NM_005862.3(STAG1):c.501T>C (p.Pro167=)

Gene: STAG1 (STAG1 cohesin complex component; minus strand). Cytogenetic location: 3q22.3.
Variant type: single nucleotide variant.
Coding change: c.501T>C on transcript NM_005862.3 (MANE Select); coding-DNA position 501, T replaced by C.
Protein change: p.Pro167=; no amino-acid change (proline 167 retained).
Molecular consequence: synonymous variant.
Genome position (GRCh38, 1-based): chr3:136,521,388, A>G on the plus strand (T>C on the coding strand, the complement: STAG1 is on the minus strand). VCF-style: chr3-136521388-A-G. GRCh37 (hg19) VCF-style: chr3-136240230-A-G.
Identifiers: ClinVar variation 2048474 (VCV002048474.28), dbSNP rs149173809, ClinGen allele CA2633163.